The following is an entry in ClinVar:

ClinVar aggregate classification (germline): Likely benign (1 of 4 stars; one submission).

Conditions:
MRPS28-related disorder. Also called: MRPS28-related condition.

gnomAD v4.1: 76 of 1,614,148 alleles (0.0047%); highest among the groups gnomAD compares: South Asian, 0.071%; 1 homozygote.

Submission:

PreventionGenetics, part of Exact Sciences
Classification: Likely benign for MRPS28-related condition. Last evaluated: 2024-11-20. Review status: criteria provided, single submitter. Criteria: ACMG Guidelines, 2015. Collection method: clinical testing. Allele origin: germline.
Comment: This variant is classified as likely benign based on ACMG/AMP sequence variant interpretation guidelines (Richards et al. 2015 PMID: 25741868, with internal and published modifications).

NM_014018.3(MRPS28):c.72G>A (p.Arg24=)

Genes: MRPS28 (mitochondrial ribosomal protein S28; minus strand), TPD52-MRPS28 (TPD52-MRPS28 readthrough; minus strand), LOC130000644 (ATAC-STARR-seq lymphoblastoid active region 27552; plus strand). Cytogenetic location: 8q21.13.
Variant type: single nucleotide variant.
Coding change: c.72G>A on transcript NM_014018.3 (MANE Select); coding-DNA position 72, G replaced by A.
Protein change: p.Arg24=; no amino-acid change (arginine 24 retained).
Molecular consequence: synonymous variant. On other transcripts: intron variant (1).
Genome position (GRCh38, 1-based): chr8:80,030,177, C>T on the plus strand (G>A on the coding strand, the complement: MRPS28 is on the minus strand). VCF-style: chr8-80030177-C-T. GRCh37 (hg19) VCF-style: chr8-80942412-C-T.
Other names: c.435+12443G>A (NM_001387778.1).
Identifiers: ClinVar variation 4984557 (VCV004984557.1).